The following is an entry in ClinVar:

NM_000362.5(TIMP3):c.44G>T (p.Ser15Ile)

Genes: SYN3 (synapsin III; minus strand), TIMP3 (TIMP metallopeptidase inhibitor 3; plus strand). Cytogenetic location: 22q12.3.
Variant type: single nucleotide variant.
Coding change: c.44G>T on transcript NM_000362.5 (MANE Select); coding-DNA position 44, G replaced by T.
Protein change: p.Ser15Ile; replaces serine 15 with isoleucine.
Molecular consequence: missense variant. On other transcripts: intron variant (7).
Genome position (GRCh38, 1-based): chr22:32,802,045, G>T. VCF-style: chr22-32802045-G-T. GRCh37 (hg19) VCF-style: chr22-33198031-G-T.
Other names: c.708+62870C>A (NM_001369909.1, NM_001135774.2, NM_001369910.1); c.711+62870C>A (NM_001369907.1, NM_003490.4, NM_001369908.1 and 1 more transcripts); short protein forms S15I.
Identifiers: ClinVar variation 2002725 (VCV002002725.4), dbSNP rs2545722805, ClinGen allele CA411538962.

ClinVar aggregate classification (germline): Uncertain significance (1 of 4 stars; one submission).

Submission:

Labcorp Genetics (formerly Invitae), Labcorp
Classification: Uncertain significance. Last evaluated: 2022-06-07. Review status: criteria provided, single submitter. Criteria: Invitae Variant Classification Sherloc (09022015). Collection method: clinical testing. Allele origin: germline.
Comment: In summary, the available evidence is currently insufficient to determine the role of this variant in disease. Therefore, it has been classified as a Variant of Uncertain Significance. Algorithms developed to predict the effect of missense changes on protein structure and function (SIFT, PolyPhen-2, Align-GVGD) all suggest that this variant is likely to be tolerated. This variant has not been reported in the literature in individuals affected with TIMP3-related conditions. This variant is not present in population databases (gnomAD no frequency). This sequence change replaces serine, which is neutral and polar, with isoleucine, which is neutral and non-polar, at codon 15 of the TIMP3 protein (p.Ser15Ile).